The following is an entry in ClinVar:

NM_033305.3(VPS13A):c.1819_1820insTGTCTCTTATACACAT (p.Pro607fs)

Gene: VPS13A (vacuolar protein sorting 13 homolog A; plus strand). Cytogenetic location: 9q21.2.
Variant type: Insertion.
Coding change: c.1819_1820insTGTCTCTTATACACAT on transcript NM_033305.3 (MANE Select); coding-DNA positions 1819 to 1820, TGTCTCTTATACACAT inserted.
Protein change: p.Pro607fs; shifts the reading frame from proline 607.
Molecular consequence: frameshift variant.
Genome position: GRCh38 VCF-style: chr9-77238305-C-CTGTCTCTTATACACAT. GRCh37 (hg19) VCF-style: chr9-79853221-C-CTGTCTCTTATACACAT.
Other names: c.1819_1820insTGTCTCTTATACACAT, p.Pro607fs (NM_001018037.2, NM_001018038.3, NM_015186.4); short protein forms P607fs.
Identifiers: ClinVar variation 5010978 (VCV005010978.1).

ClinVar aggregate classification (germline): Pathogenic (1 of 4 stars; one submission).

Conditions:
VPS13A-related neurodegenerative disease. Also called: ACANTHOCYTOSIS WITH NEUROLOGIC DISORDER; LEVINE-CRITCHLEY SYNDROME; Choreoacanthocytosis; Chorea-acanthocytosis; Choreaacanthocytosis; VPS13A Disease. Identifiers: Orphanet 2388, MedGen C0393576, MONDO:0008695, OMIM 200150.

Submission:

Myriad Genetics, Inc.
Classification: Pathogenic for VPS13A-related neurodegenerative disease. Last evaluated: 2024-05-14. Review status: criteria provided, single submitter. Criteria: Myriad Autosomal Dominant, Autosomal Recessive and X-Linked Classification Criteria (2023). Collection method: clinical testing. Allele origin: unknown.
Comment: NM_033305.2(VPS13A):c.1819_1820ins16(P607Lfs*29) is expected to be pathogenic in the context of VPS13A disease. This variant is predicted to lead to an abnormal or absent protein product due to the creation of a premature termination codon in VPS13A, a gene where loss-of-function variants are known to be pathogenic. Please note: this variant was assessed in the context of healthy population screening.